The following is an entry in ClinVar:

Conditions:
Breast-ovarian cancer, familial, susceptibility to, 1 (BROVCA1). Also called: BRCA1 Hereditary Breast and Ovarian Cancer; OVARIAN CANCER, SUSCEPTIBILITY TO. Identifiers: Orphanet 145, MedGen C2676676, MONDO:0011450, OMIM 604370. Disease mechanism: loss of function.

Submission:

Brotman Baty Institute, University of Washington
No classification provided (evidence only). Condition: Breast-ovarian cancer, familial 1. Review status: no classification provided. Collection method: in vitro. Allele origin: not applicable. Functional consequence: functionally_normal.
ClinVar note: "not provided" was previously submitted as the classification for the variant. However, the classification appeared to be based only on an observation of functional data so it was converted to no classification on 2025-07-30.

NM_007294.4(BRCA1):c.213-10T>A

Gene: BRCA1 (BRCA1 DNA repair associated; minus strand). Cytogenetic location: 17q21.31.
Variant type: single nucleotide variant.
Coding change: c.213-10T>A on transcript NM_007294.4 (MANE Select); 10 bases into the intron before coding-DNA position 213, T replaced by A.
Molecular consequence: intron variant.
Genome position (GRCh38, 1-based): chr17:43,104,966, A>T on the plus strand (T>A on the coding strand, the complement: BRCA1 is on the minus strand). VCF-style: chr17-43104966-A-T. GRCh37 (hg19) VCF-style: chr17-41256983-A-T.
Other names: c.72-10T>A (NM_001407943.1, NM_001407748.1, NM_001408500.1 and 99 more transcripts); c.213-10T>A (NM_001407973.1, NM_001407596.1, NM_001408495.1 and 167 more transcripts); c.-218-10106T>A (NM_001407966.1, NM_001407967.1); c.-169-10T>A (NM_001407963.1, NM_001407960.1, NM_001407965.1 and 4 more transcripts); c.3-10T>A (NM_001407899.1, NM_001408507.1, NM_001407958.1 and 58 more transcripts); c.135-10T>A (NM_001408413.1, NM_001407660.1, NM_001407661.1 and 21 more transcripts); c.81-10T>A (NM_001408451.1).
Identifiers: ClinVar variation 867958 (VCV000867958.3), dbSNP rs2054700708, ClinGen allele CA916080860.